The following is an entry in ClinVar:

ClinVar aggregate classification (germline): Uncertain significance. Review status: criteria provided, multiple submitters, no conflicts (2 of 4 stars). 6 submissions from 6 submitters: Uncertain significance (5). 1 of the submissions does not count toward it. Last evaluated 2025-10-24.

Conditions:
Autosomal recessive limb-girdle muscular dystrophy type 2Q (LGMDR17). Also called: MUSCULAR DYSTROPHY, LIMB-GIRDLE, AUTOSOMAL RECESSIVE 17. Identifiers: Orphanet 254361, MedGen C3150989, MONDO:0013390, OMIM 613723.
Epidermolysis bullosa simplex, Ogna type (EBS5A). Also called: Pidermolysis bullosa simplex 5A, Ogna type; EPIDERMOLYSIS BULLOSA SIMPLEX 5A, OGNA TYPE. Identifiers: Orphanet 79401, MedGen C0432317, MONDO:0007555, OMIM 131950.
Epidermolysis bullosa simplex with nail dystrophy (EBS5D). Identifiers: MedGen C4225309, MONDO:0014661, OMIM 616487.
Epidermolysis bullosa simplex 5C, with pyloric atresia (EBS5C). Also called: PLEC-Related Epidermolysis Bullosa with Pyloric Atresia; Epidermolysis bullosa simplex with pyloric atresia; PLEC1-Related Epidermolysis Bullosa with Pyloric Atresia. Identifiers: Orphanet 158684, MedGen C2677349, MONDO:0012807, OMIM 612138.
Epidermolysis bullosa simplex 5B, with muscular dystrophy (EBS5B). Also called: Epidermolysis bullosa simplex with muscular dystrophy; EPIDERMOLYSIS BULLOSA SIMPLEX AND LIMB-GIRDLE MUSCULAR DYSTROPHY. Identifiers: Orphanet 257, MedGen C2931072, MONDO:0009181, OMIM 226670.
Inborn genetic diseases. Identifiers: MedGen C0950123, MeSH D030342.
PLEC-related disorder. Also called: PLEC-related disorders; PLEC-related condition.

Allele frequency attached by ClinVar (database versions not stated): gnomAD 0.00001; gnomAD exomes 0.00001; TOPMed 0.00001.
gnomAD v4.1: 20 of 1,583,738 alleles (0.0013%); highest among the groups gnomAD compares: African/African-American, 0.0054%; no homozygotes.

Submissions (6):

Ambry Genetics
Classification: Uncertain significance for Inborn genetic diseases. Last evaluated: 2025-10-24. Review status: criteria provided, single submitter. Criteria: Ambry Variant Classification Scheme 2023. Collection method: clinical testing. Allele origin: germline.

Labcorp Genetics (formerly Invitae), Labcorp
Classification: Uncertain significance for Autosomal recessive limb-girdle muscular dystrophy type 2Q; Epidermolysis bullosa simplex, Ogna type; Epidermolysis bullosa simplex with nail dystrophy; Epidermolysis bullosa simplex 5C, with pyloric atresia; Epidermolysis bullosa simplex 5B, with muscular dystrophy. Last evaluated: 2025-07-29. Review status: criteria provided, single submitter. Criteria: Invitae Variant Classification Sherloc (09022015). Collection method: clinical testing. Allele origin: germline.
Comment: This sequence change replaces arginine, which is basic and polar, with tryptophan, which is neutral and slightly polar, at codon 1207 of the PLEC protein (p.Arg1207Trp). The frequency data for this variant in the population databases is considered unreliable, as metrics indicate poor data quality at this position in the gnomAD database. This variant has not been reported in the literature in individuals affected with PLEC-related conditions. ClinVar contains an entry for this variant (Variation ID: 2435051). Invitae Evidence Modeling of protein sequence and biophysical properties (such as structural, functional, and spatial information, amino acid conservation, physicochemical variation, residue mobility, and thermodynamic stability) indicates that this missense variant is not expected to disrupt PLEC protein function with a negative predictive value of 80%. In summary, the available evidence is currently insufficient to determine the role of this variant in disease. Therefore, it has been classified as a Variant of Uncertain Significance.

GeneDx
Classification: Uncertain significance. Last evaluated: 2025-02-12. Review status: criteria provided, single submitter. Criteria: GeneDx Variant Classification Process June 2021. Collection method: clinical testing. Allele origin: germline. Affected: yes.
Comment: Not observed at significant frequency in large population cohorts (gnomAD); In silico analysis supports that this missense variant has a deleterious effect on protein structure/function; Missense variant in a gene in which most reported pathogenic variants are truncating/loss of function; Has not been previously published as pathogenic or benign to our knowledge

Blueprint Genetics
Classification: Uncertain significance. Last evaluated: 2024-01-23. Review status: criteria provided, single submitter. Criteria: ACMG Guidelines, 2015. Collection method: clinical testing. Allele origin: germline.

Revvity Omics, Revvity
Classification: Uncertain significance. Last evaluated: 2019-10-04. Review status: criteria provided, single submitter. Criteria: ACMG Guidelines, 2015. Collection method: clinical testing. Allele origin: germline.

PreventionGenetics, part of Exact Sciences
Classification: Uncertain significance for PLEC-related condition. Last evaluated: 2024-09-17. Review status: no assertion criteria provided. Collection method: clinical testing. Allele origin: germline. Not counted in ClinVar's aggregate classification.
Comment: The PLEC c.3619C>T variant is predicted to result in the amino acid substitution p.Arg1207Trp. To our knowledge, this variant has not been reported in the literature. This variant is reported in 0.0049% of alleles in individuals of African descent in gnomAD. At this time, the clinical significance of this variant is uncertain due to the absence of conclusive functional and genetic evidence.

NM_201384.3(PLEC):c.3538C>T (p.Arg1180Trp)

Gene: PLEC (plectin; minus strand). Cytogenetic location: 8q24.3.
Variant type: single nucleotide variant.
Coding change: c.3538C>T on transcript NM_201384.3 (MANE Select); coding-DNA position 3538, C replaced by T.
Protein change: p.Arg1180Trp; replaces arginine 1180 with tryptophan.
Molecular consequence: missense variant.
Genome position (GRCh38, 1-based): chr8:143,927,628, G>A on the plus strand (C>T on the coding strand, the complement: PLEC is on the minus strand). VCF-style: chr8-143927628-G-A. GRCh37 (hg19) VCF-style: chr8-145001796-G-A.
Other names: c.3619C>T, p.Arg1207Trp (NM_000445.5, NM_001410941.1); c.3496C>T, p.Arg1166Trp (NM_201378.4); c.3472C>T, p.Arg1158Trp (NM_201379.3); c.3949C>T, p.Arg1317Trp (NM_201380.4); c.3442C>T, p.Arg1148Trp (NM_201381.3); c.3538C>T, p.Arg1180Trp (NM_201382.4); c.3550C>T, p.Arg1184Trp (NM_201383.3); c.3619C>T (NM_000445.4); short protein forms R1148W, R1158W, R1166W, R1180W, R1184W, R1207W, R1317W.
Identifiers: ClinVar variation 2435051 (VCV002435051.8), dbSNP rs1383171072, ClinGen allele CA372565756.